The following is an entry in ClinVar:

ClinVar aggregate classification (germline): Conflicting classifications of pathogenicity. Review status: criteria provided, conflicting classifications (1 of 4 stars). 6 submissions from 6 submitters: Uncertain significance (1); Benign (1); Likely benign (3). 1 of the submissions does not count toward it. Last evaluated 2025-12-15.

Conditions:
Duchenne muscular dystrophy (DMD). Also called: MUSCULAR DYSTROPHY, PSEUDOHYPERTROPHIC PROGRESSIVE, DUCHENNE TYPE; Duchenne Muscular Dystrophy (DMD). Identifiers: Orphanet 98896, MedGen C0013264, MONDO:0010679, OMIM 310200.
Becker muscular dystrophy (BMD). Also called: MUSCULAR DYSTROPHY, PSEUDOHYPERTROPHIC PROGRESSIVE, BECKER TYPE; Becker Muscular Dystrophy (BMD). Identifiers: Orphanet 98895, MedGen C0917713, MONDO:0010311, OMIM 300376.
Cardiomyopathy (CMYO). Also called: Cardiomyopathies. Identifiers: Orphanet 167848, MedGen C0878544, MONDO:0004994, HP:0001638. Inheritance: Various modes of inheritance.
Dystrophin deficiency.

Allele frequency attached by ClinVar (database versions not stated): gnomAD exomes 0.00002 and 0.00009; gnomAD 0.00003; ExAC 0.00004; TOPMed 0.00005; ESP Exome Variant Server 0.00019.
gnomAD v4.1: 92 of 1,169,962 alleles (0.0079%); highest among the groups gnomAD compares: Non-Finnish European, 0.0099%; no homozygotes.

Submissions (6):

Labcorp Genetics (formerly Invitae), Labcorp
Classification: Benign for Duchenne muscular dystrophy. Last evaluated: 2025-12-15. Review status: criteria provided, single submitter. Criteria: Invitae Variant Classification Sherloc (09022015). Collection method: clinical testing. Allele origin: germline.

Blueprint Genetics
Classification: Likely benign. Last evaluated: 2024-11-07. Review status: criteria provided, single submitter. Criteria: ACMG Guidelines, 2015. Collection method: clinical testing. Allele origin: germline.

CeGaT Center for Human Genetics Tuebingen
Classification: Likely benign. Last evaluated: 2024-10-01. Review status: criteria provided, single submitter. Criteria: CeGaT Center For Human Genetics Tuebingen Variant Classification Criteria Version 2. Collection method: clinical testing. Allele origin: germline. Affected: yes. Observed: 1 variant allele.
Comment: DMD: BP4, BS2

Athena Diagnostics
Classification: Likely benign. Last evaluated: 2024-02-09. Review status: criteria provided, single submitter. Criteria: Athena Diagnostics Criteria. Collection method: clinical testing. Allele origin: unknown.

Eurofins Ntd Llc (ga)
Classification: Uncertain significance. Last evaluated: 2018-04-20. Review status: criteria provided, single submitter. Criteria: EGL ClinVar v180209 classification definitions. Collection method: clinical testing. Allele origin: germline. Observed: 1 variant allele, 1 heterozygote.

Natera, Inc.
Classification: Likely benign for Becker muscular dystrophy; Cardiomyopathy; Duchenne muscular dystrophy; Dystrophin deficiency. Last evaluated: 2018-05-28. Review status: no assertion criteria provided. Collection method: clinical testing. Allele origin: germline. Not counted in ClinVar's aggregate classification.

NM_004006.3(DMD):c.2293-8T>C

Gene: DMD (dystrophin; minus strand). Cytogenetic location: Xp21.1.
Variant type: single nucleotide variant.
Coding change: c.2293-8T>C on transcript NM_004006.3 (MANE Select); 8 bases into the intron before coding-DNA position 2293, T replaced by C.
Molecular consequence: intron variant.
Genome position (GRCh38, 1-based): chrX:32,501,850, A>G on the plus strand (T>C on the coding strand, the complement: DMD is on the minus strand). VCF-style: chrX-32501850-A-G. GRCh37 (hg19) VCF-style: chrX-32519967-A-G.
Other names: c.2269-8T>C (NM_000109.4); c.2281-8T>C (NM_004009.3); c.1924-8T>C (NM_004010.3).
Identifiers: ClinVar variation 596845 (VCV000596845.32), dbSNP rs377050013, ClinGen allele CA10379562.